The following is an entry in ClinVar:

NM_006939.4(SOS2):c.3808G>A (p.Val1270Ile)

Gene: SOS2 (SOS Ras/Rho guanine nucleotide exchange factor 2; minus strand). Cytogenetic location: 14q21.3.
Variant type: single nucleotide variant.
Coding change: c.3808G>A on transcript NM_006939.4 (MANE Select); coding-DNA position 3808, G replaced by A.
Protein change: p.Val1270Ile; replaces valine 1270 with isoleucine.
Molecular consequence: missense variant.
Genome position (GRCh38, 1-based): chr14:50,118,535, C>T on the plus strand (G>A on the coding strand, the complement: SOS2 is on the minus strand). VCF-style: chr14-50118535-C-T. GRCh37 (hg19) VCF-style: chr14-50585253-C-T.
Other names: c.3709G>A, p.Val1237Ile (NM_001411020.1); c.3808G>A (NM_006939.2); short protein forms V1237I, V1270I.
Identifiers: ClinVar variation 2055059 (VCV002055059.5), dbSNP rs757528344, ClinGen allele CA389637642.
Genomic context (GRCh38, chr14:50,118,535, plus strand): 5'-GAGCTGGAGGATGAGCAAGATTATTCTGACTAGAACTGAGCACATAGCATCGACGCGGTA[C>T]CCTTGGAGAGGGTGTGCTAGGAGGAGTGCTTGGCGAATTTGGACACGTACTAATGTCTCT-3'
Protein context (NP_008870.2, residues 1260-1280): STPPSTPSPR[Val1270Ile]PRRCYVLSSS

ClinVar aggregate classification (germline): Uncertain significance. Review status: criteria provided, multiple submitters, no conflicts (2 of 4 stars). 2 submissions from 2 submitters: Uncertain significance (2). Last evaluated 2025-08-03.

Conditions:
Cardiovascular phenotype. Identifiers: MedGen CN230736.
Noonan syndrome 9 (NS9). Identifiers: Orphanet 648, MedGen C4225282, MONDO:0014691, OMIM 616559.

gnomAD v4.1: 1 of 1,614,070 alleles (0.000062%); highest among the groups gnomAD compares: Non-Finnish European, 0.000085%; no homozygotes.

Submissions (2):

Ambry Genetics
Classification: Uncertain significance for Cardiovascular phenotype. Last evaluated: 2025-08-03. Review status: criteria provided, single submitter. Criteria: Ambry Variant Classification Scheme 2023. Collection method: clinical testing. Allele origin: germline.

Labcorp Genetics (formerly Invitae), Labcorp
Classification: Uncertain significance for Noonan syndrome 9. Last evaluated: 2024-10-23. Review status: criteria provided, single submitter. Criteria: Invitae Variant Classification Sherloc (09022015). Collection method: clinical testing. Allele origin: germline.
Comment: This sequence change replaces valine, which is neutral and non-polar, with isoleucine, which is neutral and non-polar, at codon 1270 of the SOS2 protein (p.Val1270Ile). This variant is not present in population databases (gnomAD no frequency). This variant has not been reported in the literature in individuals affected with SOS2-related conditions. ClinVar contains an entry for this variant (Variation ID: 2055059). Invitae Evidence Modeling of protein sequence and biophysical properties (such as structural, functional, and spatial information, amino acid conservation, physicochemical variation, residue mobility, and thermodynamic stability) indicates that this missense variant is not expected to disrupt SOS2 protein function with a negative predictive value of 95%. In summary, the available evidence is currently insufficient to determine the role of this variant in disease. Therefore, it has been classified as a Variant of Uncertain Significance.